The following is an entry in ClinVar:

NM_002838.5(PTPRC):c.347A>C (p.Gln116Pro)

Gene: PTPRC (protein tyrosine phosphatase receptor type C; plus strand). Cytogenetic location: 1q31.3.
Variant type: single nucleotide variant.
Coding change: c.347A>C on transcript NM_002838.5 (MANE Select); coding-DNA position 347, A replaced by C.
Protein change: p.Gln116Pro; replaces glutamine 116 with proline.
Molecular consequence: missense variant. On other transcripts: intron variant (1).
Genome position (GRCh38, 1-based): chr1:198,699,612, A>C. VCF-style: chr1-198699612-A-C. GRCh37 (hg19) VCF-style: chr1-198668741-A-C.
Other names: c.341A>C (NM_002838.3); c.101-3686A>C (NM_080921.4); short protein forms Q116P.
Identifiers: ClinVar variation 642812 (VCV000642812.10), dbSNP rs202180702, ClinGen allele CA1314468.

ClinVar aggregate classification (germline): Uncertain significance. Review status: criteria provided, multiple submitters, no conflicts (2 of 4 stars). 3 submissions from 3 submitters: Uncertain significance (3). Last evaluated 2025-12-09.

Conditions:
Inborn genetic diseases. Identifiers: MedGen C0950123, MeSH D030342.
Immunodeficiency 104. Also called: SCID, AUTOSOMAL RECESSIVE, T CELL-NEGATIVE, B CELL-POSITIVE, NK CELL-POSITIVE; IMMUNODEFICIENCY 104, SEVERE COMBINED; Severe combined immunodeficiency, autosomal recessive, T cell-negative, B cell-positive, NK cell-positive; Severe Combined Immune Deficiency, Autosomal Recessive, TCell -Negative, B Cell-Positive, NK Cell-Positive, IL7R-Related. Identifiers: MedGen C5676890, MONDO:0012163, OMIM 608971.
Immunodeficiency 105 (IMD105). Also called: Immunodeficiency 105, severe combined. Identifiers: MedGen C5677005, MONDO:0800104, OMIM 619924.

Allele frequency attached by ClinVar (database versions not stated): gnomAD exomes 0.00001 and 0.00007; ExAC 0.00004; ESP Exome Variant Server 0.00015; gnomAD 0.00015 and 0.00016; TOPMed 0.00016; 1000 Genomes Project 30x 0.00031; 1000 Genomes Project 0.00040.
gnomAD v4.1: 41 of 1,614,204 alleles (0.0025%); highest among the groups gnomAD compares: African/African-American, 0.039%; no homozygotes.

Submissions (3):

Ambry Genetics
Classification: Uncertain significance for Inborn genetic diseases. Last evaluated: 2025-12-09. Review status: criteria provided, single submitter. Criteria: Ambry Variant Classification Scheme 2023. Collection method: clinical testing. Allele origin: germline.

Labcorp Genetics (formerly Invitae), Labcorp
Classification: Uncertain significance for Immunodeficiency 104. Last evaluated: 2022-09-01. Review status: criteria provided, single submitter. Criteria: Invitae Variant Classification Sherloc (09022015). Collection method: clinical testing. Allele origin: germline.
Comment: This sequence change replaces glutamine, which is neutral and polar, with proline, which is neutral and non-polar, at codon 116 of the PTPRC protein (p.Gln116Pro). This variant is present in population databases (rs202180702, gnomAD 0.05%). This variant has not been reported in the literature in individuals affected with PTPRC-related conditions. ClinVar contains an entry for this variant (Variation ID: 642812). Algorithms developed to predict the effect of missense changes on protein structure and function are either unavailable or do not agree on the potential impact of this missense change (SIFT: "Deleterious"; PolyPhen-2: "Benign"; Align-GVGD: "Class C0"). In summary, the available evidence is currently insufficient to determine the role of this variant in disease. Therefore, it has been classified as a Variant of Uncertain Significance.

Center for Genomics, Ann and Robert H. Lurie Children's Hospital of Chicago
Classification: Uncertain significance for Immunodeficiency 105. Last evaluated: 2022-06-03. Review status: criteria provided, single submitter. Criteria: ACMG Guidelines, 2015. Collection method: clinical testing. Allele origin: germline.
Comment: This variant has not been reported in the literature but is present in the Genome Aggregation Database (Highest reported MAF 0.04% (20/41458). This variant is present in ClinVar (Variation ID:642812). Evolutionary conservation and computational predictive tools suggest that this variant may not impact the protein. In summary, data on this variant is insufficient for disease classification. Therefore, the clinical significance of this variant is uncertain.